The following is an entry in ClinVar:

NM_080680.3(COL11A2):c.2790+4G>A

Gene: COL11A2 (collagen type XI alpha 2 chain; minus strand). Cytogenetic location: 6p21.32.
Variant type: single nucleotide variant.
Coding change: c.2790+4G>A on transcript NM_080680.3 (MANE Select); 4 bases into the intron after coding-DNA position 2790, G replaced by A.
Molecular consequence: intron variant.
Genome position (GRCh38, 1-based): chr6:33,173,056, C>T on the plus strand (G>A on the coding strand, the complement: COL11A2 is on the minus strand). VCF-style: chr6-33173056-C-T. GRCh37 (hg19) VCF-style: chr6-33140833-C-T.
Other names: c.1764+4G>A (NM_001424111.1, NM_001424110.1); c.2469+4G>A (NM_080679.3); c.2532+4G>A (NM_080681.3); c.2610+4G>A (NM_001424108.1); c.1944+4G>A (NM_001424109.1); c.744+4G>A (NM_001424112.1).
Identifiers: ClinVar variation 3647574 (VCV003647574.3).
Genomic context (GRCh38, chr6:33,173,056, plus strand): 5'-AGAAGAGGGGCAGACAGACTAATGCTAGGGTCAGGGGTCCATTCTCTCCTAGGGACAAAC[C>T]TACCTGAGGTCCCACCACTCCTGGAGGACCAGGGGGGCCGGTCTTCCCTTGGAAACCCTA-3'

ClinVar aggregate classification (germline): Conflicting classifications of pathogenicity. Review status: criteria provided, conflicting classifications (1 of 4 stars). 2 submissions from 2 submitters: Uncertain significance (1); Likely benign (1). Last evaluated 2025-09-30.

gnomAD v4.1: 10 of 1,612,478 alleles (0.00062%); highest among the groups gnomAD compares: Admixed American, 0.0017%; no homozygotes.

Submissions (2):

Labcorp Genetics (formerly Invitae), Labcorp
Classification: Uncertain significance. Last evaluated: 2025-09-30. Review status: criteria provided, single submitter. Criteria: Invitae Variant Classification Sherloc (09022015). Collection method: clinical testing. Allele origin: germline.
Comment: This sequence change falls in intron 38 of the COL11A2 gene. It does not directly change the encoded amino acid sequence of the COL11A2 protein. It affects a nucleotide within the consensus splice site. This variant is present in population databases (no rsID available, gnomAD 0.0009%). This variant has not been reported in the literature in individuals affected with COL11A2-related conditions. ClinVar contains an entry for this variant (Variation ID: 3647574). Variants that disrupt the consensus splice site are a relatively common cause of aberrant splicing (PMID: 17576681, 9536098). Algorithms developed to predict the effect of sequence changes on RNA splicing suggest that this variant is not likely to affect RNA splicing. In summary, the available evidence is currently insufficient to determine the role of this variant in disease. Therefore, it has been classified as a Variant of Uncertain Significance.

Blueprint Genetics
Classification: Likely benign. Last evaluated: 2021-08-13. Review status: criteria provided, single submitter. Criteria: ACMG Guidelines, 2015. Collection method: clinical testing. Allele origin: germline.

Literature cited by the submitters: PubMed 17576681 (cited by Labcorp Genetics (formerly Invitae), Labcorp); PubMed 9536098 (cited by Labcorp Genetics (formerly Invitae), Labcorp).